The following is an entry in ClinVar:

NM_012193.4(FZD4):c.199G>A (p.Val67Ile)

Gene: FZD4 (frizzled class receptor 4; minus strand). Cytogenetic location: 11q14.2.
Variant type: single nucleotide variant.
Coding change: c.199G>A on transcript NM_012193.4 (MANE Select); coding-DNA position 199, G replaced by A.
Protein change: p.Val67Ile; replaces valine 67 with isoleucine.
Molecular consequence: missense variant.
Genome position (GRCh38, 1-based): chr11:86,954,887, C>T on the plus strand (G>A on the coding strand, the complement: FZD4 is on the minus strand). VCF-style: chr11-86954887-C-T. GRCh37 (hg19) VCF-style: chr11-86665929-C-T.
Other names: short protein forms V67I.
Identifiers: ClinVar variation 1955987 (VCV001955987.5), dbSNP rs779931194, ClinGen allele CA6218513.

ClinVar aggregate classification (germline): Uncertain significance (1 of 4 stars; one submission).

Allele frequency attached by ClinVar (database versions not stated): ExAC 0.00001.
gnomAD v4.1: 7 of 1,613,536 alleles (0.00043%); highest among the groups gnomAD compares: Non-Finnish European, 0.00051%; no homozygotes.

Submission:

Labcorp Genetics (formerly Invitae), Labcorp
Classification: Uncertain significance. Last evaluated: 2024-12-13. Review status: criteria provided, single submitter. Criteria: Invitae Variant Classification Sherloc (09022015). Collection method: clinical testing. Allele origin: germline.
Comment: This sequence change replaces valine, which is neutral and non-polar, with isoleucine, which is neutral and non-polar, at codon 67 of the FZD4 protein (p.Val67Ile). The frequency data for this variant in the population databases is considered unreliable, as metrics indicate poor data quality at this position in the gnomAD database. This variant has not been reported in the literature in individuals affected with FZD4-related conditions. ClinVar contains an entry for this variant (Variation ID: 1955987). Invitae Evidence Modeling of protein sequence and biophysical properties (such as structural, functional, and spatial information, amino acid conservation, physicochemical variation, residue mobility, and thermodynamic stability) has been performed for this missense variant. However, the output from this modeling did not meet the statistical confidence thresholds required to predict the impact of this variant on FZD4 protein function. In summary, the available evidence is currently insufficient to determine the role of this variant in disease. Therefore, it has been classified as a Variant of Uncertain Significance.